The following is an entry in ClinVar:

NM_001903.5(CTNNA1):c.2619_2620del (p.Lys874fs)

Gene: CTNNA1 (catenin alpha 1; plus strand). Cytogenetic location: 5q31.2.
Variant type: Microsatellite.
Coding change: c.2619_2620del on transcript NM_001903.5 (MANE Select); coding-DNA positions 2619 to 2620, 2 bases deleted (GA; older notation c.2619_2620delGA).
Protein change: p.Lys874fs; shifts the reading frame from lysine 874.
Molecular consequence: frameshift variant. On other transcripts: 3 prime UTR variant (5).
Genome position (GRCh38, 1-based): chr5:138,933,987-138,933,988, GA deleted; deleting any 2 consecutive bases within chr5:138,933,980-138,933,988 gives the same sequence; the c. name uses the placement nearest the transcript's 3' end. VCF-style (leftmost placement, unchanged base first): chr5-138933979-AAG-A. GRCh37 (hg19) VCF-style: chr5-138269668-AAG-A.
Other names: c.2619_2620delGA (NM_001903.2); c.*158GA[3] (NM_001290307.3, NM_001324002.1, NM_001324003.1 and 2 more transcripts); c.2310_2311del, p.Lys771fs (NM_001290309.3); c.2250_2251del, p.Lys751fs (NM_001290310.3); c.1509_1510del, p.Lys504fs (NM_001290312.1, NM_001323987.1, NM_001323988.1 and 12 more transcripts); c.2619_2620del, p.Lys874fs (NM_001323982.2, NM_001323983.1, NM_001323984.2); c.2592_2593del, p.Lys865fs (NM_001323985.2); c.2526_2527del, p.Lys843fs (NM_001323986.2); and 4 more; short protein forms K504fs, K391fs, K423fs, K459fs, K843fs, K771fs, K865fs, K874fs.
Identifiers: ClinVar variation 663989 (VCV000663989.7), dbSNP rs1266085029, ClinGen allele CA915942581.

ClinVar aggregate classification (germline): Uncertain significance. Review status: criteria provided, multiple submitters, no conflicts (2 of 4 stars). 2 submissions from 2 submitters: Uncertain significance (2). Last evaluated 2025-08-06.

Conditions:
Hereditary cancer-predisposing syndrome. Also called: Tumor predisposition; Hereditary neoplastic syndrome; Neoplastic Syndromes, Hereditary; Hereditary Cancer Syndrome. Identifiers: Orphanet 140162, MedGen C0027672, MeSH D009386, MONDO:0015356.

Submissions (2):

Ambry Genetics
Classification: Uncertain significance for Hereditary cancer-predisposing syndrome. Last evaluated: 2025-08-06. Review status: criteria provided, single submitter. Criteria: Ambry Variant Classification Scheme 2023. Collection method: clinical testing. Allele origin: germline.
Comment: The c.2619_2620delGA variant, located in coding exon 17 of the CTNNA1 gene, results from a deletion of two nucleotides at nucleotide positions 2619 to 2620, causing a translational frameshift with a predicted alternate stop codon (p.K874Tfs*3). This alteration occurs at the 3' terminus of theCTNNA1 gene, is not expected to trigger nonsense-mediated mRNAdecay, and impacts the last 3.6% of the protein. The exact functional effect of this alteration is unknown. Based on the available evidence, the clinical significance of this variant remains unclear.

Labcorp Genetics (formerly Invitae), Labcorp
Classification: Uncertain significance. Last evaluated: 2024-11-12. Review status: criteria provided, single submitter. Criteria: Invitae Variant Classification Sherloc (09022015). Collection method: clinical testing. Allele origin: germline.
Comment: This sequence change creates a premature translational stop signal (p.Lys874Thrfs*3) in the CTNNA1 gene. While this is not anticipated to result in nonsense mediated decay, it is expected to disrupt the last 33 amino acid(s) of the CTNNA1 protein. This variant is not present in population databases (gnomAD no frequency). This variant has not been reported in the literature in individuals affected with CTNNA1-related conditions. Experimental studies and prediction algorithms are not available or were not evaluated, and the functional significance of this variant is currently unknown. In summary, the available evidence is currently insufficient to determine the role of this variant in disease. Therefore, it has been classified as a Variant of Uncertain Significance.